The following is an entry in ClinVar:

ClinVar aggregate classification (germline): Pathogenic (1 of 4 stars; one submission).

Allele frequency attached by ClinVar (database versions not stated): gnomAD exomes below 0.00001.
gnomAD v4.1: 1 of 1,614,002 alleles (0.000062%); highest among the groups gnomAD compares: East Asian, 0.0022%; no homozygotes.

Submission:

Labcorp Genetics (formerly Invitae), Labcorp
Classification: Pathogenic. Last evaluated: 2023-03-26. Review status: criteria provided, single submitter. Criteria: Invitae Variant Classification Sherloc (09022015). Collection method: clinical testing. Allele origin: germline.
Comment: For these reasons, this variant has been classified as Pathogenic. This variant has not been reported in the literature in individuals affected with ASNS-related conditions. This variant is present in population databases (no rsID available, gnomAD 0.006%). This sequence change creates a premature translational stop signal (p.Gln284*) in the ASNS gene. It is expected to result in an absent or disrupted protein product. Loss-of-function variants in ASNS are known to be pathogenic (PMID: 27422383, 30057589).

Literature cited by the submitters: PubMed 27422383; PubMed 30057589.

NM_001673.5(ASNS):c.850C>T (p.Gln284Ter)

Genes: ASNS (asparagine synthetase (glutamine-hydrolyzing); minus strand), CZ1P-ASNS (CZ1P-ASNS readthrough; minus strand). Cytogenetic location: 7q21.3.
Variant type: single nucleotide variant.
Coding change: c.850C>T on transcript NM_001673.5 (MANE Select); coding-DNA position 850, C replaced by T.
Protein change: p.Gln284Ter; replaces glutamine 284 with a stop codon.
Molecular consequence: nonsense. On other transcripts: non-coding transcript variant (1).
Genome position (GRCh38, 1-based): chr7:97,858,331, G>A on the plus strand (C>T on the coding strand, the complement: ASNS is on the minus strand). VCF-style: chr7-97858331-G-A. GRCh37 (hg19) VCF-style: chr7-97487643-G-A.
Other names: c.787C>T, p.Gln263Ter (NM_001178075.2); c.601C>T, p.Gln201Ter (NM_001178076.2, NM_001178077.1); c.850C>T, p.Gln284Ter (NM_001352496.2, NM_133436.3, NM_183356.4); short protein forms Q284*, Q263*, Q201*.
Identifiers: ClinVar variation 2739779 (VCV002739779.3), dbSNP rs1168688853, ClinGen allele CA368267759.